The following is an entry in ClinVar:

NM_006279.5(ST3GAL3):c.302+1del

Gene: ST3GAL3 (ST3 beta-galactoside alpha-2,3-sialyltransferase 3; plus strand). Cytogenetic location: 1p34.1.
Variant type: Deletion.
Coding change: c.302+1del on transcript NM_006279.5 (MANE Select); the canonical splice donor site of the intron after coding-DNA position 302, one base deleted (G; older notation c.302+1delG).
Molecular consequence: splice donor variant. On other transcripts: intron variant (2).
Genome position (GRCh38, 1-based): chr1:43,838,312, G deleted; the last of 2 consecutive G bases (chr1:43,838,311-43,838,312); deleting either gives the same sequence. VCF-style (leftmost placement, unchanged base first): chr1-43838310-CG-C. GRCh37 (hg19) VCF-style: chr1-44303982-CG-C.
Other names: c.509+1del (NM_174963.5); c.347+1del (NM_001350619.2, NM_174964.4, NM_174965.4); c.299+1del (NM_001270465.3, NM_001270463.3); c.464+1del (NM_174968.5, NM_001363573.2); c.-152+1del (NM_001350621.2); c.302+1del (NM_001350620.2, NM_001270459.2, NM_174966.4 and 1 more transcripts); c.209+23379del (NM_001270460.2); c.416+1del (NM_174971.5); and 2 more.
Identifiers: ClinVar variation 1398140 (VCV001398140.9), dbSNP rs2154197473, ClinGen allele CA2573132400.

ClinVar aggregate classification (germline): Pathogenic (1 of 4 stars; one submission).

Conditions:
Early-infantile DEE. Also called: Early infantile epileptic encephalopathy; Ohtahara syndrome; Early infantile epileptic encephalopathy with suppression bursts. Identifiers: Orphanet 1934, MedGen C0393706, MONDO:0800491.

Submission:

Labcorp Genetics (formerly Invitae), Labcorp
Classification: Pathogenic for Early-infantile DEE. Last evaluated: 2021-02-02. Review status: criteria provided, single submitter. Criteria: Invitae Variant Classification Sherloc (09022015). Collection method: clinical testing. Allele origin: germline.
Comment: This sequence change creates a premature translational stop signal (p.Phe102Serfs*34) in the ST3GAL3 gene. It is expected to result in an absent or disrupted protein product. For these reasons, this variant has been classified as Pathogenic. Loss-of-function variants in ST3GAL3 are known to be pathogenic (PMID: 31584066). Algorithms developed to predict the effect of sequence changes on RNA splicing suggest that this variant may disrupt the consensus splice site, but this prediction has not been confirmed by published transcriptional studies. This variant has not been reported in the literature in individuals with ST3GAL3-related conditions. This variant is also known as c.302+1del. This variant is not present in population databases (ExAC no frequency).

Literature cited by the submitters: PubMed 31584066.